The following is an entry in ClinVar:

NM_006017.3(PROM1):c.413A>G (p.Lys138Arg)

Gene: PROM1 (prominin 1; minus strand). Cytogenetic location: 4p15.32.
Variant type: single nucleotide variant.
Coding change: c.413A>G on transcript NM_006017.3 (MANE Select); coding-DNA position 413, A replaced by G.
Protein change: p.Lys138Arg; replaces lysine 138 with arginine.
Molecular consequence: missense variant.
Genome position (GRCh38, 1-based): chr4:16,033,400, T>C on the plus strand (A>G on the coding strand, the complement: PROM1 is on the minus strand). VCF-style: chr4-16033400-T-C. GRCh37 (hg19) VCF-style: chr4-16035023-T-C.
Other names: c.386A>G, p.Lys129Arg (NM_001145847.2, NM_001145848.2, NM_001145851.2 and 4 more transcripts); c.413A>G, p.Lys138Arg (NM_001145849.2, NM_001145850.2); short protein forms K129R, K138R.
Identifiers: ClinVar variation 3343761 (VCV003343761.1).

ClinVar aggregate classification (germline): Uncertain significance (1 of 4 stars; one submission).

gnomAD v4.1: 2 of 1,613,808 alleles (0.00012%); highest among the groups gnomAD compares: African/African-American, 0.0027%; no homozygotes.

Submission:

GeneDx
Classification: Uncertain significance. Last evaluated: 2023-05-28. Review status: criteria provided, single submitter. Criteria: GeneDx Variant Classification Process June 2021. Collection method: clinical testing. Allele origin: germline. Affected: yes.
Comment: Not observed at significant frequency in large population cohorts (gnomAD); In silico analysis supports that this missense variant does not alter protein structure/function; In silico analysis suggests this variant may impact gene splicing. In the absence of RNA/functional studies, the actual effect of this sequence change is unknown.; Has not been previously published as pathogenic or benign to our knowledge